The following is an entry in ClinVar:

ClinVar aggregate classification (germline): Uncertain significance (1 of 4 stars; one submission).

Submission:

Labcorp Genetics (formerly Invitae), Labcorp
Classification: Uncertain significance. Last evaluated: 2024-01-08. Review status: criteria provided, single submitter. Criteria: Invitae Variant Classification Sherloc (09022015). Collection method: clinical testing. Allele origin: germline.
Comment: This sequence change replaces aspartic acid, which is acidic and polar, with glutamic acid, which is acidic and polar, at codon 124 of the SOX10 protein (p.Asp124Glu). This variant is not present in population databases (gnomAD no frequency). This variant has not been reported in the literature in individuals affected with SOX10-related conditions. Advanced modeling of protein sequence and biophysical properties (such as structural, functional, and spatial information, amino acid conservation, physicochemical variation, residue mobility, and thermodynamic stability) performed at Invitae indicates that this missense variant is not expected to disrupt SOX10 protein function with a negative predictive value of 80%. In summary, the available evidence is currently insufficient to determine the role of this variant in disease. Therefore, it has been classified as a Variant of Uncertain Significance.

NM_006941.4(SOX10):c.372C>A (p.Asp124Glu)

Genes: POLR2F (RNA polymerase II, I and III subunit F; plus strand), SOX10 (SRY-box transcription factor 10; minus strand). Cytogenetic location: 22q13.1.
Variant type: single nucleotide variant.
Coding change: c.372C>A on transcript NM_006941.4 (MANE Select); coding-DNA position 372, C replaced by A.
Protein change: p.Asp124Glu; replaces aspartic acid 124 with glutamic acid.
Molecular consequence: missense variant. On other transcripts: intron variant (3).
Genome position (GRCh38, 1-based): chr22:37,983,413, G>T on the plus strand (C>A on the coding strand, the complement: SOX10 is on the minus strand). VCF-style: chr22-37983413-G-T. GRCh37 (hg19) VCF-style: chr22-38379420-G-T.
Other names: c.*38+11103G>T (NM_001363825.1); c.294-2741G>T (NM_001301130.2); c.293+16243G>T (NM_001301131.2); short protein forms D124E.
Identifiers: ClinVar variation 2780689 (VCV002780689.3), dbSNP rs760886063, ClinGen allele CA411500277.
Genomic context (GRCh38, chr22:37,983,413, plus strand): 5'-TCACCTCCAGAGCTTGCCCAGCGTCTTGCTGAGCTCAGCGTTGTGCAGGTGCGGGTACTG[G>T]TCCGCGAGCTTCCTGCGCGCTGCCTGAGCCCACACCATGAAGGCGTTCATGGGCCGCTTG-3'
Protein context (NP_008872.1, residues 114-134): WAQAARRKLA[Asp124Glu]QYPHLHNAEL